The following is an entry in ClinVar:

ClinVar aggregate classification (germline): Uncertain significance (1 of 4 stars; one submission).

Conditions:
Cone-rod dystrophy 6 (CORD6). Also called: RETINAL CONE DYSTROPHY 2; Cone dystrophy progressive. Identifiers: Orphanet 1872, MedGen C1866293, MONDO:0011143, OMIM 601777.
Leber congenital amaurosis 1 (LCA1). Also called: AMAUROSIS CONGENITA OF LEBER I; RETINAL BLINDNESS, CONGENITAL; Congenital absence of the rods and cones; Leber's congenital tapetoretinal degeneration; Leber's congenital tapetoretinal dysplasia. Identifiers: Orphanet 65, MedGen C2931258, MONDO:0008764, OMIM 204000.

Submission:

Labcorp Genetics (formerly Invitae), Labcorp
Classification: Uncertain significance for Leber congenital amaurosis 1; Cone-rod dystrophy 6. Last evaluated: 2023-06-20. Review status: criteria provided, single submitter. Criteria: Invitae Variant Classification Sherloc (09022015). Collection method: clinical testing. Allele origin: germline.
Comment: This sequence change replaces glutamic acid, which is acidic and polar, with lysine, which is basic and polar, at codon 825 of the GUCY2D protein (p.Glu825Lys). This variant is not present in population databases (gnomAD no frequency). This variant has not been reported in the literature in individuals affected with GUCY2D-related conditions. Advanced modeling of protein sequence and biophysical properties (such as structural, functional, and spatial information, amino acid conservation, physicochemical variation, residue mobility, and thermodynamic stability) performed at Invitae indicates that this missense variant is expected to disrupt GUCY2D protein function. In summary, the available evidence is currently insufficient to determine the role of this variant in disease. Therefore, it has been classified as a Variant of Uncertain Significance.

NM_000180.4(GUCY2D):c.2473G>A (p.Glu825Lys)

Gene: GUCY2D (guanylate cyclase 2D, retinal; plus strand). Cytogenetic location: 17p13.1.
Variant type: single nucleotide variant.
Coding change: c.2473G>A on transcript NM_000180.4 (MANE Select); coding-DNA position 2473, G replaced by A.
Protein change: p.Glu825Lys; replaces glutamic acid 825 with lysine.
Molecular consequence: missense variant.
Genome position (GRCh38, 1-based): chr17:8,014,661, G>A. VCF-style: chr17-8014661-G-A. GRCh37 (hg19) VCF-style: chr17-7917979-G-A.
Other names: short protein forms E825K.
Identifiers: ClinVar variation 2944347 (VCV002944347.3), dbSNP rs1030011302, ClinGen allele CA397953512.